The following is an entry in ClinVar:

NM_001040142.2(SCN2A):c.5629A>T (p.Ile1877Leu)

Gene: SCN2A (sodium voltage-gated channel alpha subunit 2; plus strand). Cytogenetic location: 2q24.3.
Variant type: single nucleotide variant.
Coding change: c.5629A>T on transcript NM_001040142.2 (MANE Select); coding-DNA position 5629, A replaced by T.
Protein change: p.Ile1877Leu; replaces isoleucine 1877 with leucine.
Molecular consequence: missense variant.
Genome position (GRCh38, 1-based): chr2:165,389,435, A>T. VCF-style: chr2-165389435-A-T. GRCh37 (hg19) VCF-style: chr2-166245945-A-T.
Other names: c.5629A>T, p.Ile1877Leu (NM_001040143.2, NM_001371246.1, NM_001371247.1 and 1 more transcripts); short protein forms I1877L.
Identifiers: ClinVar variation 849662 (VCV000849662.11), dbSNP rs1271110064, ClinGen allele CA349039581.

ClinVar aggregate classification (germline): Uncertain significance. Review status: criteria provided, multiple submitters, no conflicts (2 of 4 stars). 2 submissions from 2 submitters: Uncertain significance (2). Last evaluated 2026-03-11.

Conditions:
Developmental and epileptic encephalopathy, 11 (DEE11). Also called: Early infantile epileptic encephalopathy 11. Identifiers: Orphanet 1934, MedGen C3150987, MONDO:0013388, OMIM 613721.
Seizures, benign familial infantile, 3 (BFIS3). Also called: Familial neonatal seizures; CONVULSIONS, BENIGN FAMILIAL INFANTILE, 3. Identifiers: Orphanet 140927, Orphanet 306, MedGen C1843140, MONDO:0011904, OMIM 607745.

Allele frequency attached by ClinVar (database versions not stated): gnomAD exomes below 0.00001.
gnomAD v4.1: 1 of 1,613,988 alleles (0.000062%); highest among the groups gnomAD compares: Admixed American, 0.0017%; no homozygotes.

Submissions (2):

Women's Health and Genetics/Laboratory Corporation of America, LabCorp
Classification: Uncertain significance. Last evaluated: 2026-03-11. Review status: criteria provided, single submitter. Criteria: LabCorp Variant Classification Summary - May 2015. Collection method: clinical testing. Allele origin: germline.
Comment: Variant summary: SCN2A c.5629A>T (p.Ile1877Leu) results in a conservative amino acid change in the encoded protein sequence. Algorithms developed to predict the effect of missense changes on protein structure and function all suggest that this variant is likely to be tolerated. The variant allele was found at a frequency of 4e-06 in 250876 control chromosomes. The available data on variant occurrences in the general population are insufficient to allow any conclusion about variant significance. To our knowledge, no occurrence of c.5629A>T in individuals affected with SCN2A-related conditions and no experimental evidence demonstrating its impact on protein function have been reported. ClinVar contains an entry for this variant (Variation ID: 849662). Based on the evidence outlined above, the variant was classified as uncertain significance.

Labcorp Genetics (formerly Invitae), Labcorp
Classification: Uncertain significance for Seizures, benign familial infantile, 3; Developmental and epileptic encephalopathy, 11. Last evaluated: 2025-10-20. Review status: criteria provided, single submitter. Criteria: Invitae Variant Classification Sherloc (09022015). Collection method: clinical testing. Allele origin: germline.
Comment: This sequence change replaces isoleucine, which is neutral and non-polar, with leucine, which is neutral and non-polar, at codon 1877 of the SCN2A protein (p.Ile1877Leu). This variant is present in population databases (no rsID available, gnomAD 0.003%). This variant has not been reported in the literature in individuals affected with SCN2A-related conditions. ClinVar contains an entry for this variant (Variation ID: 849662). Invitae Evidence Modeling of protein sequence and biophysical properties (such as structural, functional, and spatial information, amino acid conservation, physicochemical variation, residue mobility, and thermodynamic stability) indicates that this missense variant is not expected to disrupt SCN2A protein function with a negative predictive value of 95%. In summary, the available evidence is currently insufficient to determine the role of this variant in disease. Therefore, it has been classified as a Variant of Uncertain Significance.